The following is an entry in ClinVar:

ClinVar aggregate classification (germline): Uncertain significance (1 of 4 stars; one submission).

Conditions:
Early-infantile DEE. Also called: Ohtahara syndrome; Early infantile epileptic encephalopathy; Early infantile epileptic encephalopathy with suppression bursts. Identifiers: Orphanet 1934, MedGen C0393706, MONDO:0800491.

Submission:

Labcorp Genetics (formerly Invitae), Labcorp
Classification: Uncertain significance for Early-infantile DEE. Last evaluated: 2024-02-17. Review status: criteria provided, single submitter. Criteria: Invitae Variant Classification Sherloc (09022015). Collection method: clinical testing. Allele origin: germline.
Comment: This variant, c.5135_5137del, results in the deletion of 1 amino acid(s) of the SCN8A protein (p.Leu1712del), but otherwise preserves the integrity of the reading frame. This variant is not present in population databases (gnomAD no frequency). This variant has not been reported in the literature in individuals affected with SCN8A-related conditions. Experimental studies and prediction algorithms are not available or were not evaluated, and the functional significance of this variant is currently unknown. In summary, the available evidence is currently insufficient to determine the role of this variant in disease. Therefore, it has been classified as a Variant of Uncertain Significance.

NM_001330260.2(SCN8A):c.5129TGC[2] (p.Leu1712del)

Gene: SCN8A (sodium voltage-gated channel alpha subunit 8; plus strand). Cytogenetic location: 12q13.13.
Variant type: Microsatellite.
Coding change: c.5129TGC[2] on transcript NM_001330260.2 (MANE Select); two copies in a row of the 3-base unit TGC starting at c.5129; the reference has three copies in a row; one copy, 3 bases deleted.
Protein change: p.Leu1712del; deletes leucine 1712.
Molecular consequence: inframe deletion.
Genome position (GRCh38, 1-based): chr12:51,806,621-51,806,623, TGC deleted; deleting any 3 consecutive bases within chr12:51,806,614-51,806,623 gives the same sequence; the position shown is the placement nearest the transcript's 3' end. VCF-style (leftmost placement, unchanged base first): chr12-51806613-CCTG-C. GRCh37 (hg19) VCF-style: chr12-52200397-CCTG-C.
Other names: c.5006TGC[2], p.Leu1671del (NM_001177984.3, NM_001369788.1); c.5129TGC[2], p.Leu1712del (NM_014191.4); short protein forms L1712del, L1671del.
Identifiers: ClinVar variation 1493156 (VCV001493156.9), dbSNP rs2138942921, ClinGen allele CA2580615202.